The following is an entry in ClinVar:

ClinVar aggregate classification (germline): Conflicting classifications of pathogenicity. Review status: criteria provided, conflicting classifications (1 of 4 stars). 3 submissions from 3 submitters: Uncertain significance (1); Likely benign (2). Last evaluated 2026-05-18.

Allele frequency attached by ClinVar (database versions not stated): 1000 Genomes Project 30x 0.00016; 1000 Genomes Project 0.00020; ExAC 0.00064; gnomAD 0.00089; TOPMed 0.00090; ESP Exome Variant Server 0.00091; gnomAD exomes 0.00147.
gnomAD v4.1: 2,294 of 1,613,502 alleles (0.14%); highest among the groups gnomAD compares: Non-Finnish European, 0.18%; 3 homozygotes.

Submissions (3):

Women's Health and Genetics/Laboratory Corporation of America, LabCorp
Classification: Likely benign. Last evaluated: 2026-05-18. Review status: criteria provided, single submitter. Criteria: LabCorp Variant Classification Summary - May 2015. Collection method: clinical testing. Allele origin: germline.
Comment: Variant summary: ACAN c.5318T>C (p.Leu1773Pro) results in a non-conservative amino acid change in the encoded protein sequence. Algorithms developed to predict the effect of missense changes on protein structure and function are either unavailable or do not agree on the potential impact of this missense change. The variant allele was found at a frequency of 0.00058 in 249212 control chromosomes, predominantly at a frequency of 0.0011 within the Non-Finnish European subpopulation in the gnomAD database. The relatively high allele frequency suggests that the variant is not causal for a dominant disease phenotype (with high penetrance early onset), however the association with recessive conditions (or risk associations) cannot be excluded. The variant, c.5318T>C, has been reported in the literature in heterozygous state in a mother and a child undergoing WES analysis, however no features of skeletal dysplasia was found, and a skeletal survey on the child was normal (Volk_2015). To our knowledge, no experimental evidence demonstrating an impact on protein function has been reported. The following publication have been ascertained in the context of this evaluation (PMID: 25852444). One submitter has cited clinical-significance assessments for this variant to ClinVar after 2014 and has classified the variant as uncertain significance. Based on the evidence outlined above, the variant was classified as likely benign.

GeneDx
Classification: Uncertain significance. Last evaluated: 2025-10-01. Review status: criteria provided, single submitter. Criteria: GeneDx Variant Classification Process June 2021. Collection method: clinical testing. Allele origin: germline. Affected: yes.
Comment: Observed in a patient with history of failure to thrive and short stature in the published literature with no second ACAN variant identified, although this variant was also present in the patient's unaffected mother (PMID: 25852444); In silico analysis supports that this missense variant has a deleterious effect on protein structure/function; This variant is associated with the following publications: (PMID: 25852444)

CeGaT Center for Human Genetics Tuebingen
Classification: Likely benign. Last evaluated: 2025-09-01. Review status: criteria provided, single submitter. Criteria: CeGaT Center For Human Genetics Tuebingen Variant Classification Criteria Version 2. Collection method: clinical testing. Allele origin: germline. Affected: yes. Observed: 1 variant allele.
Comment: ACAN: BP4

Literature cited by the submitters: PubMed 25852444 (cited by Women's Health and Genetics/Laboratory Corporation of America, LabCorp).

NM_001369268.1(ACAN):c.5318T>C (p.Leu1773Pro)

Gene: ACAN (aggrecan; plus strand). Cytogenetic location: 15q26.1.
Variant type: single nucleotide variant.
Coding change: c.5318T>C on transcript NM_001369268.1 (MANE Select); coding-DNA position 5318, T replaced by C.
Protein change: p.Leu1773Pro; replaces leucine 1773 with proline.
Molecular consequence: missense variant.
Genome position (GRCh38, 1-based): chr15:88,857,903, T>C. VCF-style: chr15-88857903-T-C. GRCh37 (hg19) VCF-style: chr15-89401134-T-C.
Other names: c.5318T>C, p.Leu1773Pro (NM_001135.4, NM_001411096.1, NM_001411097.1 and 1 more transcripts); short protein forms L1773P.
Identifiers: ClinVar variation 1712180 (VCV001712180.13), dbSNP rs147886342, ClinGen allele CA7720185.